The following is an entry in ClinVar:

NM_001128840.3(CACNA1D):c.2953G>T (p.Val985Phe)

Gene: CACNA1D (calcium voltage-gated channel subunit alpha1 D; plus strand). Cytogenetic location: 3p21.1.
Variant type: single nucleotide variant.
Coding change: c.2953G>T on transcript NM_001128840.3 (MANE Select); coding-DNA position 2953, G replaced by T.
Protein change: p.Val985Phe; replaces valine 985 with phenylalanine.
Molecular consequence: missense variant.
Genome position (GRCh38, 1-based): chr3:53,744,774, G>T. VCF-style: chr3-53744774-G-T. GRCh37 (hg19) VCF-style: chr3-53778801-G-T.
Other names: c.3013G>T (NM_000720.2); c.3013G>T, p.Val1005Phe (NM_000720.4); c.2953G>T, p.Val985Phe (NM_001128839.3); short protein forms V1005F, V985F.
Identifiers: ClinVar variation 1509352 (VCV001509352.9), dbSNP rs776649485, ClinGen allele CA2454403.

ClinVar aggregate classification (germline): Uncertain significance. Review status: criteria provided, multiple submitters, no conflicts (2 of 4 stars). 2 submissions from 2 submitters: Uncertain significance (2). Last evaluated 2025-08-30.

Conditions:
Inborn genetic diseases. Identifiers: MedGen C0950123, MeSH D030342.

gnomAD v4.1: 3 of 1,610,550 alleles (0.00019%); highest among the groups gnomAD compares: Admixed American, 0.005%; no homozygotes.

Submissions (2):

Labcorp Genetics (formerly Invitae), Labcorp
Classification: Uncertain significance. Last evaluated: 2025-08-30. Review status: criteria provided, single submitter. Criteria: Invitae Variant Classification Sherloc (09022015). Collection method: clinical testing. Allele origin: germline.
Comment: This sequence change replaces valine, which is neutral and non-polar, with phenylalanine, which is neutral and non-polar, at codon 1005 of the CACNA1D protein (p.Val1005Phe). This variant is present in population databases (rs776649485, gnomAD 0.006%). This variant has not been reported in the literature in individuals affected with CACNA1D-related conditions. ClinVar contains an entry for this variant (Variation ID: 1509352). Invitae Evidence Modeling of protein sequence and biophysical properties (such as structural, functional, and spatial information, amino acid conservation, physicochemical variation, residue mobility, and thermodynamic stability) indicates that this missense variant is expected to disrupt CACNA1D protein function with a positive predictive value of 80%. In summary, the available evidence is currently insufficient to determine the role of this variant in disease. Therefore, it has been classified as a Variant of Uncertain Significance.

Ambry Genetics
Classification: Uncertain significance for Inborn genetic diseases. Last evaluated: 2025-07-16. Review status: criteria provided, single submitter. Criteria: Ambry Variant Classification Scheme 2023. Collection method: clinical testing. Allele origin: germline.